The following is an entry in ClinVar:

NM_000179.3(MSH6):c.3015A>C (p.Arg1005=)

Gene: MSH6 (mutS homolog 6; plus strand). Cytogenetic location: 2p16.3.
Variant type: single nucleotide variant.
Coding change: c.3015A>C on transcript NM_000179.3 (MANE Select); coding-DNA position 3015, A replaced by C.
Protein change: p.Arg1005=; no amino-acid change (arginine 1005 retained).
Molecular consequence: synonymous variant.
Genome position (GRCh38, 1-based): chr2:47,800,998, A>C. VCF-style: chr2-47800998-A-C. GRCh37 (hg19) VCF-style: chr2-48028137-A-C.
Other names: c.2625A>C, p.Arg875= (NM_001281492.2); c.2109A>C, p.Arg703= (NM_001281493.2, NM_001281494.2).
Identifiers: ClinVar variation 1574866 (VCV001574866.9), dbSNP rs990650403, ClinGen allele CA426121673.

ClinVar aggregate classification (germline): Benign/Likely benign. Review status: criteria provided, multiple submitters, no conflicts (2 of 4 stars). 3 submissions from 3 submitters: Benign (1); Likely benign (2). Last evaluated 2025-01-02.

Conditions:
Hereditary nonpolyposis colorectal neoplasms. Identifiers: MedGen C0009405, MeSH D003123.
Lynch syndrome 5 (LYNCH5). Also called: Colorectal cancer, hereditary nonpolyposis, type 5; Hereditary non-polyposis colorectal cancer, type 5. Identifiers: Orphanet 144, MedGen C1833477, MONDO:0013710, OMIM 614350. Disease mechanism: loss of function.
Hereditary cancer-predisposing syndrome. Also called: Hereditary Cancer Syndrome; Tumor predisposition; Neoplastic Syndromes, Hereditary; Hereditary neoplastic syndrome. Identifiers: Orphanet 140162, MedGen C0027672, MeSH D009386, MONDO:0015356.

Submissions (3):

Myriad Genetics, Inc.
Classification: Benign for Lynch syndrome 5. Last evaluated: 2025-01-02. Review status: criteria provided, single submitter. Criteria: Myriad Autosomal Dominant, Autosomal Recessive and X-Linked Classification Criteria (2023). Collection method: clinical testing. Allele origin: unknown.
Comment: This variant is considered benign. This variant is a silent/synonymous amino acid change and it is not expected to impact splicing.

Color Diagnostics, LLC DBA Color Health
Classification: Likely benign for Hereditary cancer-predisposing syndrome. Last evaluated: 2022-11-06. Review status: criteria provided, single submitter. Criteria: ACMG Guidelines, 2015. Collection method: clinical testing. Allele origin: germline.

Labcorp Genetics (formerly Invitae), Labcorp
Classification: Likely benign for Hereditary nonpolyposis colorectal neoplasms. Last evaluated: 2021-01-13. Review status: criteria provided, single submitter. Criteria: Invitae Variant Classification Sherloc (09022015). Collection method: clinical testing. Allele origin: germline.